The following is an entry in ClinVar:

NM_000168.6(GLI3):c.1510G>A (p.Asp504Asn)

Gene: GLI3 (GLI family zinc finger 3; minus strand). Cytogenetic location: 7p14.1.
Variant type: single nucleotide variant.
Coding change: c.1510G>A on transcript NM_000168.6 (MANE Select); coding-DNA position 1510, G replaced by A.
Protein change: p.Asp504Asn; replaces aspartic acid 504 with asparagine.
Molecular consequence: missense variant.
Genome position (GRCh38, 1-based): chr7:41,978,736, C>T on the plus strand (G>A on the coding strand, the complement: GLI3 is on the minus strand). VCF-style: chr7-41978736-C-T. GRCh37 (hg19) VCF-style: chr7-42018335-C-T.
Other names: short protein forms D504N.
Identifiers: ClinVar variation 4997210 (VCV004997210.1).

ClinVar aggregate classification (germline): Uncertain significance (1 of 4 stars; one submission).

Conditions:
GLI3-related disorder. Also called: GLI3-related condition; GLI3-related disorders. Identifiers: MedGen CN239292.

gnomAD v4.1: 1 of 1,613,684 alleles (0.000062%); highest among the groups gnomAD compares: South Asian, 0.0011%; no homozygotes.

Submission:

PreventionGenetics, part of Exact Sciences
Classification: Uncertain significance for GLI3-related condition. Last evaluated: 2025-08-04. Review status: criteria provided, single submitter. Criteria: ACMG Guidelines, 2015. Collection method: clinical testing. Allele origin: germline.
Comment: The GLI3 c.1510G>A variant is predicted to result in the amino acid substitution p.Asp504Asn. To our knowledge, this variant has not been reported in the literature or in a large population database (gnomAD), indicating this variant is rare. At this time, the clinical significance of this variant is uncertain due to the absence of conclusive functional and genetic evidence.